The following is an entry in ClinVar:

ClinVar aggregate classification (germline): Pathogenic/Likely pathogenic. Review status: criteria provided, multiple submitters, no conflicts (2 of 4 stars). 15 submissions from 15 submitters: Pathogenic (12); Likely pathogenic (1). 2 of the submissions do not count toward it. Last evaluated 2025-12-01.

Conditions:
Retinal dystrophy. Also called: Inherited retinal dystrophy. Identifiers: Orphanet 71862, MedGen C0854723, MeSH D058499, MONDO:0019118, HP:0000556.
Retinitis pigmentosa (RP). Identifiers: Orphanet 791, MedGen C0035334, MeSH D012174, MONDO:0019200, OMIM 268000. Inheritance: Autosomal dominant, autosomal recessive and X linked inheritance.
EYS-related disorder. Also called: EYS-related condition.
Retinitis pigmentosa 25 (RP25). Identifiers: Orphanet 791, MedGen C1864446, MONDO:0011272, OMIM 602772.

Allele frequency attached by ClinVar (database versions not stated): gnomAD 0.00001; TOPMed 0.00001; gnomAD exomes 0.00002.
gnomAD v4.1: 29 of 1,551,162 alleles (0.0019%); highest among the groups gnomAD compares: African/African-American, 0.0027%; no homozygotes.

Submissions (15):

Natera, Inc.
Classification: Pathogenic for Retinitis pigmentosa type 25. Last evaluated: 2025-12-01. Review status: criteria provided, single submitter. Criteria: Natera Variant Classification Schema (03/2026). Collection method: clinical testing. Allele origin: germline.
Comment: The c.4045C>T variant in EYS is a nonsense variant predicted to introduce a stop codon at amino acid 1349. This variant is expected to result in nonsense mediated decay, truncation, or a dysfunctional protein product. This variant is rare in the general population with a frequency below the threshold expected for the associated phenotype(s). This variant has been observed in one or more individuals affected with the associated recessive disease, as either homozygous or compound heterozygous with a second variant (PMID: 30902645). Given the available evidence, this variant is classified as Pathogenic.

PreventionGenetics, part of Exact Sciences
Classification: Pathogenic for EYS-related condition. Last evaluated: 2025-05-29. Review status: criteria provided, single submitter. Criteria: ACMG Guidelines, 2015. Collection method: clinical testing. Allele origin: germline.
Comment: The EYS c.4045C>T variant is predicted to result in premature protein termination (p.Arg1349*). This variant has been reported in individuals with retinitis pigmentosa (see for example: Eisenberger et al. 2013. PubMed ID: 24265693; Ezquerra-Inchausti et al. 2018. PubMed ID: 30337596; Table S2, Gao et al. 2019. PubMed ID: 31054281). This variant is reported in 0.011% of alleles in individuals of African descent in gnomAD. Nonsense variants in EYS are expected to be pathogenic. This variant is interpreted as pathogenic.

Labcorp Genetics (formerly Invitae), Labcorp
Classification: Pathogenic. Last evaluated: 2025-03-10. Review status: criteria provided, single submitter. Criteria: Invitae Variant Classification Sherloc (09022015). Collection method: clinical testing. Allele origin: germline.
Comment: This sequence change creates a premature translational stop signal (p.Arg1349*) in the EYS gene. It is expected to result in an absent or disrupted protein product. Loss-of-function variants in EYS are known to be pathogenic (PMID: 18836446, 20333770). This variant is present in population databases (no rsID available, gnomAD 0.01%). This premature translational stop signal has been observed in individuals with retinitis pigmentosa (PMID: 24265693, 28041643). ClinVar contains an entry for this variant (Variation ID: 438197). For these reasons, this variant has been classified as Pathogenic.

Blueprint Genetics
Classification: Pathogenic for EYS-related disorders. Last evaluated: 2024-11-06. Review status: criteria provided, single submitter. Criteria: ACMG Guidelines, 2015. Collection method: clinical testing. Allele origin: germline. Affected: yes. Observed: 5 variant alleles.

Fulgent Genetics
Classification: Pathogenic for Retinitis pigmentosa 25. Last evaluated: 2024-06-15. Review status: criteria provided, single submitter. Criteria: ACMG Guidelines, 2015. Collection method: clinical testing. Allele origin: germline.

Myriad Genetics, Inc.
Classification: Pathogenic for Retinitis pigmentosa 25. Last evaluated: 2024-05-14. Review status: criteria provided, single submitter. Criteria: Myriad Autosomal Dominant, Autosomal Recessive and X-Linked Classification Criteria (2023). Collection method: clinical testing. Allele origin: unknown.
Comment: NM_001142800.1(EYS):c.4045C>T(R1349*) is expected to be pathogenic in the context of retinitis pigmentosa, EYS-related. This variant is predicted to lead to an abnormal or absent protein product due to the creation of a premature termination codon in EYS, a gene where loss-of-function variants are known to be pathogenic. Please note: this variant was assessed in the context of healthy population screening.

Baylor Genetics
Classification: Pathogenic for Retinitis pigmentosa 25. Last evaluated: 2024-03-25. Review status: criteria provided, single submitter. Criteria: ACMG Guidelines, 2015. Collection method: clinical testing. Allele origin: unknown.

Women's Health and Genetics/Laboratory Corporation of America, LabCorp
Classification: Pathogenic for Retinitis pigmentosa. Last evaluated: 2023-12-08. Review status: criteria provided, single submitter. Criteria: LabCorp Variant Classification Summary - May 2015. Collection method: clinical testing. Allele origin: germline.
Comment: Variant summary: EYS c.4045C>T (p.Arg1349X) results in a premature termination codon, predicted to cause a truncation of the encoded protein or absence of the protein due to nonsense mediated decay, which are commonly known mechanisms for disease. Variants downstream of this position have been classified as pathogenic by our laboratory. The variant allele was found at a frequency of 3.2e-05 in 31404 control chromosomes. c.4045C>T has been reported in the literature in mulitple individuals affected with Retinitis Pigmentosa (e.g., Weisschuh_2020). The following publication have been ascertained in the context of this evaluation (PMID: 32531858). Seven submitters have cited clinical-significance assessments for this variant to ClinVar after 2014; and all submitters classified the variant as pathogenic/likely pathogenic. Based on the evidence outlined above, the variant was classified as pathogenic.

GeneDx
Classification: Pathogenic. Last evaluated: 2022-08-22. Review status: criteria provided, single submitter. Criteria: GeneDx Variant Classification Process June 2021. Collection method: clinical testing. Allele origin: germline. Affected: yes.
Comment: Nonsense variant predicted to result in protein truncation or nonsense mediated decay in a gene for which loss-of-function is a known mechanism of disease; This variant is associated with the following publications: (PMID: 35046417, 24265693, 28041643, 30337596, 31054281, 32581362, 31589614, 31074760, 32531858)

Institute of Medical Genetics and Applied Genomics, University Hospital Tübingen
Classification: Pathogenic. Last evaluated: 2021-06-17. Review status: criteria provided, single submitter. Criteria: ACMG Guidelines, 2015. Collection method: clinical testing. Allele origin: germline. Inheritance: Autosomal recessive inheritance. Affected: yes.

Dubai Health Genomic Medicine Center, Dubai Health
Classification: Likely pathogenic for Retinitis pigmentosa 25. Last evaluated: 2019-12-26. Review status: criteria provided, single submitter. Criteria: ACMG Guidelines, 2015. Collection method: clinical testing. Allele origin: germline. Affected: yes.

Institute of Human Genetics, Univ. Regensburg, Univ. Regensburg
Classification: Pathogenic for Retinal dystrophy. Last evaluated: 2019-01-01. Review status: criteria provided, single submitter. Criteria: ACMG Guidelines, 2015. Collection method: clinical testing. Allele origin: germline. Affected: yes.

CeGaT Center for Human Genetics Tuebingen
Classification: Pathogenic. Last evaluated: 2017-01-01. Review status: criteria provided, single submitter. Criteria: CeGaT Center For Human Genetics Tuebingen Variant Classification Criteria Version 2. Collection method: clinical testing. Allele origin: germline. Affected: yes. Observed: 1 variant allele.

Clinical Genetics Laboratory, University Hospital Schleswig-Holstein
Classification: Pathogenic for Retinitis pigmentosa 25. Last evaluated: 2023-11-06. Review status: no assertion criteria provided. Collection method: clinical testing. Allele origin: biparental. Affected: yes. Not counted in ClinVar's aggregate classification.

NIHR Bioresource Rare Diseases, University of Cambridge
Classification: Likely pathogenic for Retinitis pigmentosa. Last evaluated: 2015-01-01. Review status: no assertion criteria provided. Collection method: research. Allele origin: unknown. Affected: yes. Observed: 1 variant allele. Not counted in ClinVar's aggregate classification.

Literature cited by the submitters: PubMed 30902645 (cited by Natera, Inc.); PubMed 18836446 (cited by Labcorp Genetics (formerly Invitae), Labcorp); PubMed 20333770 (cited by Labcorp Genetics (formerly Invitae), Labcorp); PubMed 24265693 (cited by 3 submitters); PubMed 28041643 (cited by Labcorp Genetics (formerly Invitae), Labcorp and NIHR Bioresource Rare Diseases, University of Cambridge); PubMed 32531858 (cited by Women's Health and Genetics/Laboratory Corporation of America, LabCorp and Institute of Human Genetics, Univ. Regensburg, Univ. Regensburg); PubMed 30337596 (cited by Institute of Human Genetics, Univ. Regensburg, Univ. Regensburg); PubMed 31589614 (cited by Institute of Human Genetics, Univ. Regensburg, Univ. Regensburg); PubMed 31054281 (cited by Institute of Human Genetics, Univ. Regensburg, Univ. Regensburg); PubMed 31074760 (cited by Institute of Human Genetics, Univ. Regensburg, Univ. Regensburg); PubMed 31964843 (cited by Institute of Human Genetics, Univ. Regensburg, Univ. Regensburg); PubMed 32581362 (cited by Institute of Human Genetics, Univ. Regensburg, Univ. Regensburg).

NM_001142800.2(EYS):c.4045C>T (p.Arg1349Ter)

Gene: EYS (EGF-like photoreceptor maintenance factor; minus strand). Cytogenetic location: 6q12.
Variant type: single nucleotide variant.
Coding change: c.4045C>T on transcript NM_001142800.2 (MANE Select); coding-DNA position 4045, C replaced by T.
Protein change: p.Arg1349Ter; replaces arginine 1349 with a stop codon.
Molecular consequence: nonsense.
Genome position (GRCh38, 1-based): chr6:64,591,822, G>A on the plus strand (C>T on the coding strand, the complement: EYS is on the minus strand). VCF-style: chr6-64591822-G-A. GRCh37 (hg19) VCF-style: chr6-65301715-G-A.
Other names: c.4045C>T, p.Arg1349Ter (NM_001292009.2); short protein forms R1349*.
Identifiers: ClinVar variation 438197 (VCV000438197.65), dbSNP rs930421180, ClinGen allele CA140340976.
Genomic context (GRCh38, chr6:64,591,822, plus strand): 5'-ATACCGATGTTTTGTCCTGGACAATTTGTGCTGGGTCACGAATACCAAAATTCAGGAATC[G>A]AGAAGAGGAAACATCTGCGGAAGAAAGAAGACTGTGTTTTGCTGAAAGCTCTCTAGTGAC-3'